The following is an entry in ClinVar:

ClinVar aggregate classification (germline): Uncertain significance (1 of 4 stars; one submission).

Submission:

Labcorp Genetics (formerly Invitae), Labcorp
Classification: Uncertain significance. Last evaluated: 2024-06-08. Review status: criteria provided, single submitter. Criteria: Invitae Variant Classification Sherloc (09022015). Collection method: clinical testing. Allele origin: germline.
Comment: This sequence change replaces methionine, which is neutral and non-polar, with threonine, which is neutral and polar, at codon 1242 of the ERCC6L2 protein (p.Met1242Thr). This variant is not present in population databases (gnomAD no frequency). This variant has not been reported in the literature in individuals affected with ERCC6L2-related conditions. Experimental studies and prediction algorithms are not available or were not evaluated, and the functional significance of this variant is currently unknown. In summary, the available evidence is currently insufficient to determine the role of this variant in disease. Therefore, it has been classified as a Variant of Uncertain Significance.

NM_020207.7(ERCC6L2):c.3692T>C (p.Met1231Thr)

Gene: ERCC6L2 (ERCC excision repair 6 like 2; plus strand). Cytogenetic location: 9q22.32.
Variant type: single nucleotide variant.
Coding change: c.3692T>C on transcript NM_020207.7 (MANE Select); coding-DNA position 3692, T replaced by C.
Protein change: p.Met1231Thr; replaces methionine 1231 with threonine.
Molecular consequence: missense variant. On other transcripts: non-coding transcript variant (1), intron variant (2).
Genome position (GRCh38, 1-based): chr9:96,012,242, T>C. VCF-style: chr9-96012242-T-C. GRCh37 (hg19) VCF-style: chr9-98774524-T-C.
Other names: c.3674+7541T>C (NM_001375291.1, NM_001375292.1); short protein forms M1231T.
Identifiers: ClinVar variation 3655912 (VCV003655912.2).